The following is an entry in ClinVar:

ClinVar aggregate classification (germline): Uncertain significance (1 of 4 stars; one submission).

Submission:

Ambry Genetics
Classification: Uncertain significance. Last evaluated: 2022-03-01. Review status: criteria provided, single submitter. Criteria: Ambry Variant Classification Scheme 2023. Collection method: clinical testing. Allele origin: germline.
Comment: The p.L189M variant (also known as c.565T>A), located in coding exon 1 of the MLH3 gene, results from a T to A substitution at nucleotide position 565. The leucine at codon 189 is replaced by methionine, an amino acid with highly similar properties. This amino acid position is conserved. In addition, the in silico prediction for this alteration is inconclusive. Since supporting evidence is limited at this time, the clinical significance of this alteration remains unclear.

NM_001040108.2(MLH3):c.565T>A (p.Leu189Met)

Gene: MLH3 (mutL homolog 3; minus strand). Cytogenetic location: 14q24.3.
Variant type: single nucleotide variant.
Coding change: c.565T>A on transcript NM_001040108.2 (MANE Select); coding-DNA position 565, T replaced by A.
Protein change: p.Leu189Met; replaces leucine 189 with methionine.
Molecular consequence: missense variant.
Genome position (GRCh38, 1-based): chr14:75,049,091, A>T on the plus strand (T>A on the coding strand, the complement: MLH3 is on the minus strand). VCF-style: chr14-75049091-A-T. GRCh37 (hg19) VCF-style: chr14-75515794-A-T.
Other names: c.565T>A, p.Leu189Met (NM_014381.3); short protein forms L189M.
Identifiers: ClinVar variation 1748916 (VCV001748916.2), dbSNP rs757893863, ClinGen allele CA390449882.